The following is an entry in ClinVar:

NM_001735.3(C5):c.3154+13del

Gene: C5 (complement C5; minus strand). Cytogenetic location: 9q33.2.
Variant type: Deletion.
Coding change: c.3154+13del on transcript NM_001735.3 (MANE Select); 13 bases into the intron after coding-DNA position 3154, one base deleted (A; older notation c.3154+13delA).
Molecular consequence: intron variant.
Genome position (GRCh38, 1-based): chr9:120,989,555, T deleted on the plus strand (A on the coding strand, the reverse complement: C5 is on the minus strand); the first of 11 consecutive T bases (chr9:120,989,555-120,989,565); deleting any one gives the same sequence. VCF-style (leftmost placement, unchanged base first): chr9-120989554-CT-C. GRCh37 (hg19) VCF-style: chr9-123751832-CT-C.
Other names: c.3172+13del (NM_001317163.2); c.3154+13delA (NM_001735.3).
Identifiers: ClinVar variation 1604917 (VCV001604917.10), dbSNP rs762749415, ClinGen allele CA5217564.

ClinVar aggregate classification (germline): Benign/Likely benign. Review status: criteria provided, multiple submitters, no conflicts (2 of 4 stars). 3 submissions from 3 submitters: Benign (2); Likely benign (1). Last evaluated 2026-01-30.

Submissions (3):

Women's Health and Genetics/Laboratory Corporation of America, LabCorp
Classification: Benign. Last evaluated: 2026-01-30. Review status: criteria provided, single submitter. Criteria: LabCorp Variant Classification Summary - May 2015. Collection method: clinical testing. Allele origin: germline.
Comment: Variant summary: C5 c.3154+13delA alters a nucleotide located at a position not widely known to affect splicing. Consensus agreement among computation tools predict no significant impact on normal splicing. However, these predictions have yet to be confirmed by functional studies. The variant allele was found at a frequency of 0.087 in 737480 control chromosomes. The observed variant frequency exceeds the estimated maximal expected allele frequency for disease-causing variants in C5. To our knowledge, no occurrence of c.3154+13delA in individuals affected with C5-related conditions and no experimental evidence demonstrating its impact on protein function have been reported. ClinVar contains an entry for this variant (Variation ID: 1604917). Based on the evidence outlined above, the variant was classified as benign.

Labcorp Genetics (formerly Invitae), Labcorp
Classification: Benign. Last evaluated: 2026-01-18. Review status: criteria provided, single submitter. Criteria: Invitae Variant Classification Sherloc (09022015). Collection method: clinical testing. Allele origin: germline.

Blueprint Genetics
Classification: Likely benign. Last evaluated: 2024-11-27. Review status: criteria provided, single submitter. Criteria: ACMG Guidelines, 2015. Collection method: clinical testing. Allele origin: germline.